The following is an entry in ClinVar:

NM_024301.5(FKRP):c.874G>A (p.Glu292Lys)

Gene: FKRP (fukutin related protein; plus strand). Cytogenetic location: 19q13.32.
Variant type: single nucleotide variant.
Coding change: c.874G>A on transcript NM_024301.5 (MANE Select); coding-DNA position 874, G replaced by A.
Protein change: p.Glu292Lys; replaces glutamic acid 292 with lysine.
Molecular consequence: missense variant.
Genome position (GRCh38, 1-based): chr19:46,756,324, G>A. VCF-style: chr19-46756324-G-A. GRCh37 (hg19) VCF-style: chr19-47259581-G-A.
Other names: c.874G>A, p.Glu292Lys (NM_001039885.3); short protein forms E292K.
Identifiers: ClinVar variation 2586842 (VCV002586842.2), dbSNP rs1291131278, ClinGen allele CA406496192.
Genomic context (GRCh38, chr19:46,756,324, plus strand): 5'-CTGGGCATCCGCCTAGTGAGCTGGGAAGGCGGGCGGCTGGAGTGGTTCGGCTGCAACAAG[G>A]AGACCACGCGCTGCTTCGGAACCGTGGTGGGCGACACGCCCGCCTACCTCTACGAGGAGC-3'
Protein context (NP_077277.1, residues 282-302): GRLEWFGCNK[Glu292Lys]TTRCFGTVVG

ClinVar aggregate classification (germline): Uncertain significance (1 of 4 stars; one submission).

Conditions:
Cardiovascular phenotype. Identifiers: MedGen CN230736.

Allele frequency attached by ClinVar (database versions not stated): gnomAD exomes below 0.00001; TOPMed below 0.00001.
gnomAD v4.1: 1 of 1,555,550 alleles (0.000064%); highest among the groups gnomAD compares: Non-Finnish European, 0.000087%; no homozygotes.

Submission:

Ambry Genetics
Classification: Uncertain significance for Cardiovascular phenotype. Last evaluated: 2023-07-17. Review status: criteria provided, single submitter. Criteria: Ambry Variant Classification Scheme 2023. Collection method: clinical testing. Allele origin: germline.
Comment: The p.E292K variant (also known as c.874G>A), located in coding exon 1 of the FKRP gene, results from a G to A substitution at nucleotide position 874. The glutamic acid at codon 292 is replaced by lysine, an amino acid with similar properties. This amino acid position is conserved. In addition, the in silico prediction for this alteration is inconclusive. Since supporting evidence is limited at this time, the clinical significance of this alteration remains unclear.